The following is an entry in ClinVar:

NM_005413.4(SIX3):c.619G>T (p.Glu207Ter)

Gene: SIX3 (SIX homeobox 3; plus strand). Cytogenetic location: 2p21.
Variant type: single nucleotide variant.
Coding change: c.619G>T on transcript NM_005413.4 (MANE Select); coding-DNA position 619, G replaced by T.
Protein change: p.Glu207Ter; replaces glutamic acid 207 with a stop codon.
Molecular consequence: nonsense.
Genome position (GRCh38, 1-based): chr2:44,942,723, G>T. VCF-style: chr2-44942723-G-T. GRCh37 (hg19) VCF-style: chr2-45169862-G-T.
Other names: short protein forms E207*.
Identifiers: ClinVar variation 4852252 (VCV004852252.1).

ClinVar aggregate classification (germline): Pathogenic (1 of 4 stars; one submission).

Conditions:
Holoprosencephaly 2 (HPE2). Identifiers: Orphanet 2162, MedGen C1834877, MONDO:0007999, OMIM 157170.

Submission:

Variantyx, Inc.
Classification: Pathogenic for Holoprosencephaly 2. Last evaluated: 2025-06-15. Review status: criteria provided, single submitter. Criteria: Variantyx Assertion Criteria 2022. Collection method: clinical testing. Allele origin: germline. Inheritance: Autosomal dominant inheritance. Affected: yes.
Comment: This is a nonsense variant in the SIX3 gene (OMIM: 603714). Pathogenic variants in this gene have been associated with autosomal dominant holoprosencephaly 2. This variant introduces a premature termination codon in exon 1 out of 2 and is expected to result in loss of function, which is a known disease mechanism for SIX3 in this disorder (PMID: 20301702, 19346217) (PVS1). This variant has been reported in at least one affected individual (PMID: 18791198) (PS4), while it is absent from control populations (PM2). Based on the current evidence, this variant is classified as pathogenic for autosomal dominant holoprosencephaly 2. Inter- and intrafamilial clinical variability has been described (PMID: 20301702).

Literature cited by the submitters: PubMed 20301702; PubMed 19346217; PubMed 18791198.